The following is an entry in ClinVar:

ClinVar aggregate classification (germline): Pathogenic/Likely pathogenic. Review status: criteria provided, multiple submitters, no conflicts (2 of 4 stars). 2 submissions from 2 submitters: Pathogenic (1); Likely pathogenic (1). Last evaluated 2025-07-26.

Conditions:
Cardiovascular phenotype. Identifiers: MedGen CN230736.
Hereditary cancer-predisposing syndrome. Also called: Tumor predisposition; Neoplastic Syndromes, Hereditary; Hereditary neoplastic syndrome; Hereditary Cancer Syndrome. Identifiers: Orphanet 140162, MedGen C0027672, MeSH D009386, MONDO:0015356.
LZTR1-related schwannomatosis. Also called: Schwannomatosis-2, susceptibility to; Schwannomatosis 2. Identifiers: Orphanet 93921, MedGen C3810283, MONDO:0014299, OMIM 615670.

Submissions (2):

Ambry Genetics
Classification: Pathogenic for Cardiovascular phenotype; Hereditary cancer-predisposing syndrome. Last evaluated: 2025-07-26. Review status: criteria provided, single submitter. Criteria: Ambry Variant Classification Scheme 2023. Collection method: clinical testing. Allele origin: germline.
Comment: The c.1182_1243dup62 variant, located in coding exon 11 of the LZTR1 gene, results from a duplication of 62 nucleotides at position 1182, causing a translational frameshift with a predicted alternate stop codon (p.E415Vfs*67). This variant was reported in individual(s) with features consistent with LZTR1-related schwannomatosis (Ambry internal data). This variant is considered to be rare based on population cohorts in the Genome Aggregation Database (gnomAD). This alteration is expected to result in loss of function by premature protein truncation or nonsense-mediated mRNA decay. Loss-of-function variants in LZTR1 are related to an increased risk for schwannomas and autosomal recessive Noonan syndrome; however, such associations with autosomal dominant Noonan syndrome have not been observed (Piotrowski A et al. Nat Genet. 2014 Feb;46:182-7; Yamamoto GL et al. J Med Genet. 2015 Jun;52:413-21; Johnston JJ et al. Genet Med. 2018 10;20:1175-1185). Based on the supporting evidence, this variant is pathogenic for an increased risk of LZTR1-related schwannomatosis (SWN) and would be expected to cause autosomal recessive Noonan syndrome when present along with a second pathogenic or likely pathogenic variant on the other allele; however, the association of this alteration with autosomal dominant Noonan syndrome is unlikely.

Institute for Genomic Medicine (IGM) Clinical Laboratory, Nationwide Children's Hospital
Classification: Likely pathogenic for LZTR1-related schwannomatosis. Last evaluated: 2025-06-11. Review status: criteria provided, single submitter. Criteria: ACMG Guidelines, 2015. Collection method: clinical testing. Allele origin: germline.
Comment: This variant is predicted to result in loss of function through nonsense-mediated decay of the encoded transcript or premature truncation of the encoded protein in a gene in which loss of function is a known mechanism of disease (ACMG/AMP: PVS1; PMIDs:24362817, 28365909). This variant is absent from or present at an exceedingly low frequency in gnomAD, a large-scale control population database (ACMG/AMP: PM2).

Literature cited by the submitters: PubMed 24362817 (cited by Institute for Genomic Medicine (IGM) Clinical Laboratory, Nationwide Children's Hospital); PubMed 28365909 (cited by Institute for Genomic Medicine (IGM) Clinical Laboratory, Nationwide Children's Hospital).

NM_006767.4(LZTR1):c.1182_1243dup (p.Glu415fs)

Gene: LZTR1 (leucine zipper like post translational regulator 1; plus strand). Cytogenetic location: 22q11.21.
Variant type: Duplication.
Coding change: c.1182_1243dup on transcript NM_006767.4 (MANE Select); coding-DNA positions 1182 to 1243, 62 bases duplicated.
Protein change: p.Glu415fs; shifts the reading frame from glutamic acid 415.
Molecular consequence: frameshift variant.
Genome position (GRCh38, 1-based): chr22:20,992,826-20,992,887, 62 bases duplicated. GRCh37 (hg19): chr22:21,347,115-21,347,176.
Other names: short protein forms E415fs.
Identifiers: ClinVar variation 4101853 (VCV004101853.2).